The following is an entry in ClinVar:

NM_173630.4(RTTN):c.2789-11T>G

Gene: RTTN (rotatin; minus strand). Cytogenetic location: 18q22.2.
Variant type: single nucleotide variant.
Coding change: c.2789-11T>G on transcript NM_173630.4 (MANE Select); 11 bases into the intron before coding-DNA position 2789, T replaced by G.
Molecular consequence: intron variant.
Genome position (GRCh38, 1-based): chr18:70,135,291, A>C on the plus strand (T>G on the coding strand, the complement: RTTN is on the minus strand). VCF-style: chr18-70135291-A-C. GRCh37 (hg19) VCF-style: chr18-67802527-A-C.
Other names: c.53-11T>G (NM_001318520.2).
Identifiers: ClinVar variation 513108 (VCV000513108.1), dbSNP rs1258727329, ClinGen allele CA658799085.

ClinVar aggregate classification (germline): Likely benign (1 of 4 stars; one submission).

Allele frequency attached by ClinVar (database versions not stated): gnomAD exomes below 0.00001; gnomAD 0.00001; TOPMed 0.00002.
gnomAD v4.1: 8 of 1,418,086 alleles (0.00056%); highest among the groups gnomAD compares: Non-Finnish European, 0.00068%; no homozygotes.

Submission:

GeneDx
Classification: Likely benign. Last evaluated: 2017-11-10. Review status: criteria provided, single submitter. Criteria: GeneDx Variant Classification (06012015). Collection method: clinical testing. Allele origin: germline. Affected: yes.
Comment: This variant is considered likely benign or benign based on one or more of the following criteria: it is a conservative change, it occurs at a poorly conserved position in the protein, it is predicted to be benign by multiple in silico algorithms, and/or has population frequency not consistent with disease.